The following is an entry in ClinVar:

NM_016151.4(TAOK2):c.3560G>T (p.Arg1187Leu)

Gene: TAOK2 (TAO kinase 2; plus strand). Cytogenetic location: 16p11.2.
Variant type: single nucleotide variant.
Coding change: c.3560G>T on transcript NM_016151.4 (MANE Select); coding-DNA position 3560, G replaced by T.
Protein change: p.Arg1187Leu; replaces arginine 1187 with leucine.
Molecular consequence: missense variant. On other transcripts: intron variant (1).
Genome position (GRCh38, 1-based): chr16:29,987,832, G>T. VCF-style: chr16-29987832-G-T. GRCh37 (hg19) VCF-style: chr16-29999153-G-T.
Other names: c.3221G>T, p.Arg1074Leu (NM_001252043.2); c.2232+1328G>T (NM_004783.4); short protein forms R1187L, R1074L.
Identifiers: ClinVar variation 1930644 (VCV001930644.5), dbSNP rs1364648297, ClinGen allele CA395501645.

ClinVar aggregate classification (germline): Uncertain significance (1 of 4 stars; one submission).

gnomAD v4.1: 5 of 1,612,496 alleles (0.00031%); highest among the groups gnomAD compares: Admixed American, 0.005%; no homozygotes.

Submission:

Labcorp Genetics (formerly Invitae), Labcorp
Classification: Uncertain significance. Last evaluated: 2022-03-04. Review status: criteria provided, single submitter. Criteria: Invitae Variant Classification Sherloc (09022015). Collection method: clinical testing. Allele origin: germline.
Comment: In summary, the available evidence is currently insufficient to determine the role of this variant in disease. Therefore, it has been classified as a Variant of Uncertain Significance. Algorithms developed to predict the effect of missense changes on protein structure and function (SIFT, PolyPhen-2, Align-GVGD) all suggest that this variant is likely to be tolerated. This sequence change replaces arginine, which is basic and polar, with leucine, which is neutral and non-polar, at codon 1187 of the TAOK2 protein (p.Arg1187Leu). This variant is present in population databases (no rsID available, gnomAD 0.003%). This variant has not been reported in the literature in individuals affected with TAOK2-related conditions.